The following is an entry in ClinVar:

ClinVar aggregate classification (germline): Uncertain significance. Review status: criteria provided, multiple submitters, no conflicts (2 of 4 stars). 3 submissions from 3 submitters: Uncertain significance (3). Last evaluated 2026-04-09.

Conditions:
Neuronopathy, distal hereditary motor, type 7B. Also called: NEURONOPATHY, DISTAL HEREDITARY MOTOR, AUTOSOMAL DOMINANT 14; NEURONOPATHY, DISTAL HEREDITARY MOTOR, HARDING TYPE VIIB; HMN VIIB; LOWER MOTOR NEURON DISEASE, DYNACTIN TYPE; Distal Hereditary Motor Neuronopathy Type 7B (dHMN7B); NEUROPATHY, DISTAL HEREDITARY MOTOR, HARDING TYPE VIIB. Identifiers: Orphanet 139589, MedGen C1843315, MONDO:0011879, OMIM 607641.
Amyotrophic lateral sclerosis type 1 (ALS1). Also called: AMYOTROPHIC LATERAL SCLEROSIS 1, FAMILIAL. Identifiers: Orphanet 803, MedGen C1862939, MONDO:0007103, OMIM 105400.
Perry syndrome. Also called: PARKINSONISM WITH ALVEOLAR HYPOVENTILATION AND MENTAL DEPRESSION. Identifiers: Orphanet 178509, MedGen C1868594, MONDO:0008201, OMIM 168605.
DCTN1-related disorder. Also called: DCTN1-related condition.
Inborn genetic diseases. Identifiers: MedGen C0950123, MeSH D030342.

Allele frequency attached by ClinVar (database versions not stated): gnomAD 0.00003 and 0.00004; gnomAD exomes below 0.00001 and 0.00002; TOPMed 0.00002.
gnomAD v4.1: 27 of 1,613,854 alleles (0.0017%); highest among the groups gnomAD compares: South Asian, 0.0044%; no homozygotes.

Submissions (3):

PreventionGenetics, part of Exact Sciences
Classification: Uncertain significance for DCTN1-related condition. Last evaluated: 2026-04-09. Review status: criteria provided, single submitter. Criteria: ACMG Guidelines, 2015. Collection method: clinical testing. Allele origin: germline.
Comment: The DCTN1 c.3758C>T variant is predicted to result in the amino acid substitution p.Ala1253Val. To our knowledge, this variant has not been reported in the literature. This variant is reported in 0.0015% of alleles in individuals of European (non-Finnish) descent in gnomAD. At this time, the clinical significance of this variant is uncertain due to the absence of conclusive functional and genetic evidence.

Labcorp Genetics (formerly Invitae), Labcorp
Classification: Uncertain significance for Amyotrophic lateral sclerosis type 1; Neuronopathy, distal hereditary motor, type 7B; Perry syndrome. Last evaluated: 2025-09-03. Review status: criteria provided, single submitter. Criteria: Invitae Variant Classification Sherloc (09022015). Collection method: clinical testing. Allele origin: germline.
Comment: This sequence change replaces alanine, which is neutral and non-polar, with valine, which is neutral and non-polar, at codon 1253 of the DCTN1 protein (p.Ala1253Val). This variant is present in population databases (no rsID available, gnomAD 0.002%). This variant has not been reported in the literature in individuals affected with DCTN1-related conditions. ClinVar contains an entry for this variant (Variation ID: 960668). Invitae Evidence Modeling of protein sequence and biophysical properties (such as structural, functional, and spatial information, amino acid conservation, physicochemical variation, residue mobility, and thermodynamic stability) indicates that this missense variant is not expected to disrupt DCTN1 protein function with a negative predictive value of 95%. In summary, the available evidence is currently insufficient to determine the role of this variant in disease. Therefore, it has been classified as a Variant of Uncertain Significance.

Ambry Genetics
Classification: Uncertain significance for Inborn genetic diseases. Last evaluated: 2020-10-29. Review status: criteria provided, single submitter. Criteria: Ambry Variant Classification Scheme 2023. Collection method: clinical testing. Allele origin: germline.
Comment: The p.A1253V variant (also known as c.3758C>T), located in coding exon 32 of the DCTN1 gene, results from a C to T substitution at nucleotide position 3758. The alanine at codon 1253 is replaced by valine, an amino acid with similar properties. This amino acid position is not well conserved in available vertebrate species. In addition, this alteration is predicted to be tolerated by in silico analysis. Since supporting evidence is limited at this time, the clinical significance of this alteration remains unclear.

NM_004082.5(DCTN1):c.3758C>T (p.Ala1253Val)

Gene: DCTN1 (dynactin subunit 1; minus strand). Cytogenetic location: 2p13.1.
Variant type: single nucleotide variant.
Coding change: c.3758C>T on transcript NM_004082.5 (MANE Select); coding-DNA position 3758, C replaced by T.
Protein change: p.Ala1253Val; replaces alanine 1253 with valine.
Molecular consequence: missense variant. On other transcripts: non-coding transcript variant (1).
Genome position (GRCh38, 1-based): chr2:74,361,578, G>A on the plus strand (C>T on the coding strand, the complement: DCTN1 is on the minus strand). VCF-style: chr2-74361578-G-A. GRCh37 (hg19) VCF-style: chr2-74588705-G-A.
Other names: c.3683C>T, p.Ala1228Val (NM_001135040.3); c.3341C>T, p.Ala1114Val (NM_001135041.3); c.3632C>T, p.Ala1211Val (NM_001190836.2); c.3737C>T, p.Ala1246Val (NM_001190837.2); c.3707C>T, p.Ala1236Val (NM_001378991.1); c.3689C>T, p.Ala1230Val (NM_001378992.1); c.3356C>T, p.Ala1119Val (NM_023019.4); short protein forms A1114V, A1119V, A1211V, A1230V, A1246V, A1236V, A1253V, A1228V.
Identifiers: ClinVar variation 960668 (VCV000960668.15), dbSNP rs1026036256, ClinGen allele CA50473942.